The following is an entry in ClinVar:

ClinVar aggregate classification (germline): Likely benign (1 of 4 stars; one submission).

gnomAD v4.1: 3 of 1,614,148 alleles (0.00019%); highest among the groups gnomAD compares: East Asian, 0.0045%; no homozygotes.

Submission:

CeGaT Center for Human Genetics Tuebingen
Classification: Likely benign. Last evaluated: 2026-07-01. Review status: criteria provided, single submitter. Criteria: CeGaT Center For Human Genetics Tuebingen Variant Classification Criteria Version 2. Collection method: clinical testing. Allele origin: germline. Affected: yes. Observed: 1 variant allele.
Comment: ARID2: BP4

NM_152641.4(ARID2):c.3683C>T (p.Ser1228Leu)

Gene: ARID2 (AT-rich interaction domain 2; plus strand). Cytogenetic location: 12q12.
Variant type: single nucleotide variant.
Coding change: c.3683C>T on transcript NM_152641.4 (MANE Select); coding-DNA position 3683, C replaced by T.
Protein change: p.Ser1228Leu; replaces serine 1228 with leucine.
Molecular consequence: missense variant.
Genome position (GRCh38, 1-based): chr12:45,851,806, C>T. VCF-style: chr12-45851806-C-T. GRCh37 (hg19) VCF-style: chr12-46245589-C-T.
Other names: c.3683C>T, p.Ser1228Leu (NM_001347839.2); short protein forms S1228L.
Identifiers: ClinVar variation 5039720 (VCV005039720.1).